The following is an entry in ClinVar:

NM_198252.3(GSN):c.1096G>A (p.Val366Met)

Gene: GSN (gelsolin; plus strand). Cytogenetic location: 9q33.2.
Variant type: single nucleotide variant.
Coding change: c.1096G>A on transcript NM_198252.3 (MANE Select); coding-DNA position 1096, G replaced by A.
Protein change: p.Val366Met; replaces valine 366 with methionine.
Molecular consequence: missense variant.
Genome position (GRCh38, 1-based): chr9:121,318,785, G>A. VCF-style: chr9-121318785-G-A. GRCh37 (hg19) VCF-style: chr9-124081063-G-A.
Other names: c.1249G>A, p.Val417Met (NM_000177.5); c.1096G>A, p.Val366Met (NM_001127662.2, NM_001127664.2, NM_001127665.2 and 10 more transcripts); c.1204G>A, p.Val402Met (NM_001127663.2); c.1129G>A, p.Val377Met (NM_001127666.2, NM_001127667.2, NM_001353063.2 and 13 more transcripts); c.1147G>A, p.Val383Met (NM_001258029.2); c.1120G>A, p.Val374Met (NM_001258030.2); c.1168G>A, p.Val390Met (NM_001353076.2); c.442G>A, p.Val148Met (NM_001353078.2); short protein forms V383M, V402M, V366M, V377M, V148M, V374M, V390M, V417M.
Identifiers: ClinVar variation 1386683 (VCV001386683.12), dbSNP rs375323203, ClinGen allele CA5221144.

ClinVar aggregate classification (germline): Conflicting classifications of pathogenicity. Review status: criteria provided, conflicting classifications (1 of 4 stars). 3 submissions from 3 submitters: Uncertain significance (2); Likely benign (1). Last evaluated 2025-07-16.

Conditions:
Inborn genetic diseases. Identifiers: MedGen C0950123, MeSH D030342.
Finnish type amyloidosis. Also called: AMYLOID CRANIAL NEUROPATHY WITH LATTICE CORNEAL DYSTROPHY; AMYLOIDOSIS DUE TO MUTANT GELSOLIN; Lattice corneal dystrophy associated with familial systemic amyloidosis; Meretoja's syndrome; Lattice dystrophy of the cornea with hereditary generalized amyloidosis; Amyloidosis, familial, Finnish type. Identifiers: Orphanet 85448, MedGen C1622345, MONDO:0007097, OMIM 105120.

Allele frequency attached by ClinVar (database versions not stated): gnomAD 0.00003 and 0.00004; gnomAD exomes 0.00004 and 0.00005; TOPMed 0.00005; ExAC 0.00007; ESP Exome Variant Server 0.00015.
gnomAD v4.1: 62 of 1,614,026 alleles (0.0038%); highest among the groups gnomAD compares: South Asian, 0.014%; no homozygotes.

Submissions (3):

Labcorp Genetics (formerly Invitae), Labcorp
Classification: Uncertain significance. Last evaluated: 2025-07-16. Review status: criteria provided, single submitter. Criteria: Invitae Variant Classification Sherloc (09022015). Collection method: clinical testing. Allele origin: germline.
Comment: This sequence change replaces valine, which is neutral and non-polar, with methionine, which is neutral and non-polar, at codon 417 of the GSN protein (p.Val417Met). This variant is present in population databases (rs375323203, gnomAD 0.01%). This variant has not been reported in the literature in individuals affected with GSN-related conditions. ClinVar contains an entry for this variant (Variation ID: 1386683). Invitae Evidence Modeling of protein sequence and biophysical properties (such as structural, functional, and spatial information, amino acid conservation, physicochemical variation, residue mobility, and thermodynamic stability) indicates that this missense variant is not expected to disrupt GSN protein function with a negative predictive value of 80%. In summary, the available evidence is currently insufficient to determine the role of this variant in disease. Therefore, it has been classified as a Variant of Uncertain Significance.

Fulgent Genetics
Classification: Uncertain significance for Finnish type amyloidosis. Last evaluated: 2024-01-05. Review status: criteria provided, single submitter. Criteria: ACMG Guidelines, 2015. Collection method: clinical testing. Allele origin: germline.

Ambry Genetics
Classification: Likely benign for Inborn genetic diseases. Last evaluated: 2020-02-13. Review status: criteria provided, single submitter. Criteria: Ambry Variant Classification Scheme 2023. Collection method: clinical testing. Allele origin: germline.